The following is an entry in ClinVar:

NM_032043.3(BRIP1):c.3506A>C (p.Asp1169Ala)

Gene: BRIP1 (BRCA1 interacting DNA helicase 1; minus strand). Cytogenetic location: 17q23.2.
Variant type: single nucleotide variant.
Coding change: c.3506A>C on transcript NM_032043.3 (MANE Select); coding-DNA position 3506, A replaced by C.
Protein change: p.Asp1169Ala; replaces aspartic acid 1169 with alanine.
Molecular consequence: missense variant.
Genome position (GRCh38, 1-based): chr17:61,683,540, T>G on the plus strand (A>C on the coding strand, the complement: BRIP1 is on the minus strand). VCF-style: chr17-61683540-T-G. GRCh37 (hg19) VCF-style: chr17-59760901-T-G.
Other names: short protein forms D1169A.
Identifiers: ClinVar variation 967762 (VCV000967762.10), dbSNP rs2061304201, ClinGen allele CA400478498.

ClinVar aggregate classification (germline): Uncertain significance (1 of 4 stars; one submission).

Conditions:
Fanconi anemia complementation group J. Also called: BRIP1-Related Fanconi Anemia. Identifiers: Orphanet 84, MedGen C1836860, MONDO:0012187, OMIM 609054.
Familial cancer of breast. Also called: BREAST CANCER, FAMILIAL; Hereditary breast cancer; hereditary breast carcinoma. Identifiers: Orphanet 227535, MedGen C0346153, MONDO:0016419, OMIM 114480. Disease mechanism: loss of function.

Submission:

Labcorp Genetics (formerly Invitae), Labcorp
Classification: Uncertain significance for Familial cancer of breast; Fanconi anemia complementation group J. Last evaluated: 2019-11-07. Review status: criteria provided, single submitter. Criteria: Invitae Variant Classification Sherloc (09022015). Collection method: clinical testing. Allele origin: germline.
Comment: This sequence change replaces aspartic acid with alanine at codon 1169 of the BRIP1 protein (p.Asp1169Ala). The aspartic acid residue is weakly conserved and there is a moderate physicochemical difference between aspartic acid and alanine. This variant is not present in population databases (ExAC no frequency). This variant has not been reported in the literature in individuals with BRIP1-related conditions. Algorithms developed to predict the effect of missense changes on protein structure and function are either unavailable or do not agree on the potential impact of this missense change (SIFT: "Tolerated"; PolyPhen-2: "Possibly Damaging"; Align-GVGD: "Class C0"). In summary, the available evidence is currently insufficient to determine the role of this variant in disease. Therefore, it has been classified as a Variant of Uncertain Significance.